The following is an entry in ClinVar:

ClinVar aggregate classification (germline): Pathogenic/Likely pathogenic. Review status: criteria provided, multiple submitters, no conflicts (2 of 4 stars). 4 submissions from 4 submitters: Pathogenic (1); Likely pathogenic (3). Last evaluated 2026-07-08.

Conditions:
Hereditary cancer-predisposing syndrome. Also called: Hereditary Cancer Syndrome; Neoplastic Syndromes, Hereditary; Tumor predisposition; Hereditary neoplastic syndrome. Identifiers: Orphanet 140162, MedGen C0027672, MeSH D009386, MONDO:0015356.
Familial cancer of breast. Also called: BREAST CANCER, FAMILIAL; Hereditary breast cancer; hereditary breast carcinoma. Identifiers: Orphanet 227535, MedGen C0346153, MONDO:0016419, OMIM 114480. Disease mechanism: loss of function.
Ataxia-telangiectasia syndrome (AT). Also called: Cerebello-oculocutaneous telangiectasia; Immunodeficiency with ataxia telangiectasia; Ataxia-telangiectasia, complementation group E; Ataxia-telangiectasia, complementation group D; AT, COMPLEMENTATION GROUP C; ATAXIA-TELANGIECTASIA, COMPLEMENTATION GROUP A. Identifiers: Orphanet 100, MedGen C0004135, MONDO:0008840, OMIM 208900.

gnomAD v4.1: 7 of 1,542,256 alleles (0.00045%); highest among the groups gnomAD compares: Non-Finnish European, 0.00063%; no homozygotes.

Submissions (4):

Ambry Genetics
Classification: Likely pathogenic for Hereditary cancer-predisposing syndrome. Last evaluated: 2026-07-08. Review status: criteria provided, single submitter. Criteria: Ambry Variant Classification Scheme 2023. Collection method: clinical testing. Allele origin: germline.
Comment: The c.6006+1G>C intronic variant results from a G to C substitution one nucleotide after coding exon 39 of the ATM gene. In an assay testing ATM function, this variant showed a functionally abnormal result (Lee KS et al. Cell, 2025 Sep;188:5081-5099.e27). Other variant(s) impacting the same donor site (c.6006+1G>T) have been identified in individual(s) with features consistent with ataxia telangiectasia (Shao L et al. Front Neurol, 2023 Jul;14:1228810). This variant is considered to be rare based on population cohorts in the Genome Aggregation Database (gnomAD). This nucleotide position is highly conserved in available vertebrate species. In silico splice site analysis predicts that this alteration will weaken the native splice donor site; however, direct evidence is insufficient at this time (Ambry internal data). Alterations that disrupt the canonical splice site are expected to cause aberrant splicing, resulting in an abnormal protein or a transcript that is subject to nonsense-mediated mRNA decay. As such, this alteration is classified as likely pathogenic.

Labcorp Genetics (formerly Invitae), Labcorp
Classification: Pathogenic for Ataxia-telangiectasia syndrome. Last evaluated: 2025-11-23. Review status: criteria provided, single submitter. Criteria: Invitae Variant Classification Sherloc (09022015). Collection method: clinical testing. Allele origin: germline.
Comment: This sequence change affects a donor splice site in intron 40 of the ATM gene. RNA analysis indicates that disruption of this splice site induces altered splicing and may result in an absent or altered protein product. This variant is not present in population databases (gnomAD no frequency). Disruption of this splice site has been observed in individual(s) with ataxia-telangiectasia (internal data). In at least one individual the data is consistent with being in trans (on the opposite chromosome) from a pathogenic variant. ClinVar contains an entry for this variant (Variation ID: 524267). Studies have shown that disruption of this splice site results in skipping of exon 40, and produces a non-functional protein and/or introduces a premature termination codon (internal data). For these reasons, this variant has been classified as Pathogenic.

Myriad Genetics, Inc.
Classification: Likely pathogenic for Familial cancer of breast. Last evaluated: 2024-01-26. Review status: criteria provided, single submitter. Criteria: Myriad Autosomal Dominant, Autosomal Recessive and X-Linked Classification Criteria (2023). Collection method: clinical testing. Allele origin: unknown.
Comment: This variant is considered likely pathogenic. This variant occurs within a consensus splice junction and is predicted to result in abnormal mRNA splicing of either an out-of-frame exon or an in-frame exon necessary for protein stability and/or normal function.

Color Diagnostics, LLC DBA Color Health
Classification: Likely pathogenic for Hereditary cancer-predisposing syndrome. Last evaluated: 2020-02-05. Review status: criteria provided, single submitter. Criteria: ACMG Guidelines, 2015. Collection method: clinical testing. Allele origin: germline.
Comment: This variant causes a G>C nucleotide substitution at the +1 position of intron 40 of the ATM gene. Splice site prediction tools suggest that this variant may have a significant impact on RNA splicing. Although this prediction has not been confirmed in published RNA studies, this variant is expected to result in an absent or disrupted protein product. This variant has not been reported in individuals affected with hereditary cancer in the literature. This variant has not been identified in the general population by the Genome Aggregation Database (gnomAD). Loss of ATM function is a known mechanism of disease. Based on the available evidence, this variant is classified as Likely Pathogenic.

Literature cited by the submitters: PubMed 40580951 (cited by Ambry Genetics).

NM_000051.4(ATM):c.6006+1G>C

Genes: ATM (ATM serine/threonine kinase; plus strand), C11orf65 (chromosome 11 open reading frame 65; minus strand). Cytogenetic location: 11q22.3.
Variant type: single nucleotide variant.
Coding change: c.6006+1G>C on transcript NM_000051.4 (MANE Select); the canonical splice donor site of the intron after coding-DNA position 6006, G replaced by C.
Molecular consequence: splice donor variant. On other transcripts: intron variant (2).
Genome position (GRCh38, 1-based): chr11:108,312,499, G>C. VCF-style: chr11-108312499-G-C. GRCh37 (hg19) VCF-style: chr11-108183226-G-C.
Other names: c.6006+1G>C (NM_001351834.2); c.641-3428C>G (NM_001330368.2); c.*39-3428C>G (NM_001351110.2).
Identifiers: ClinVar variation 524267 (VCV000524267.18), dbSNP rs786202016, ClinGen allele CA382548820.